The following is an entry in ClinVar:

NM_007194.4(CHEK2):c.909-19C>T

Gene: CHEK2 (checkpoint kinase 2; minus strand). Cytogenetic location: 22q12.1.
Variant type: single nucleotide variant.
Coding change: c.909-19C>T on transcript NM_007194.4 (MANE Select); 19 bases into the intron before coding-DNA position 909, C replaced by T.
Molecular consequence: intron variant.
Genome position (GRCh38, 1-based): chr22:28,699,956, G>A on the plus strand (C>T on the coding strand, the complement: CHEK2 is on the minus strand). VCF-style: chr22-28699956-G-A. GRCh37 (hg19) VCF-style: chr22-29095944-G-A.
Other names: c.246-19C>T (NM_001437942.1, NM_001257387.3); c.708-19C>T (NM_001349956.3); c.909-19C>T (NM_145862.3); c.1002-19C>T (NM_001438295.1, NM_001438293.1); c.1038-19C>T (NM_001438294.1, NM_001005735.3).
Identifiers: ClinVar variation 506493 (VCV000506493.10), dbSNP rs1555915594, ClinGen allele CA658799512.

ClinVar aggregate classification (germline): Likely benign. Review status: criteria provided, multiple submitters, no conflicts (2 of 4 stars). 3 submissions from 3 submitters: Likely benign (3). Last evaluated 2024-10-03.

Conditions:
Familial cancer of breast. Also called: hereditary breast carcinoma; BREAST CANCER, FAMILIAL; Hereditary breast cancer. Identifiers: Orphanet 227535, MedGen C0346153, MONDO:0016419, OMIM 114480. Disease mechanism: loss of function.

Submissions (3):

Myriad Genetics, Inc.
Classification: Likely benign for Familial cancer of breast. Last evaluated: 2024-10-03. Review status: criteria provided, single submitter. Criteria: Myriad Autosomal Dominant, Autosomal Recessive and X-Linked Classification Criteria (2023). Collection method: clinical testing. Allele origin: unknown.
Comment: This variant is considered likely benign. This variant is intronic and is not expected to impact mRNA splicing.

Labcorp Genetics (formerly Invitae), Labcorp
Classification: Likely benign for Familial cancer of breast. Last evaluated: 2024-05-31. Review status: criteria provided, single submitter. Criteria: Invitae Variant Classification Sherloc (09022015). Collection method: clinical testing. Allele origin: germline.

GeneDx
Classification: Likely benign. Last evaluated: 2017-02-01. Review status: criteria provided, single submitter. Criteria: GeneDx Variant Classification (06012015). Collection method: clinical testing. Allele origin: germline. Affected: yes.
Comment: This variant is considered likely benign or benign based on one or more of the following criteria: it is a conservative change, it occurs at a poorly conserved position in the protein, it is predicted to be benign by multiple in silico algorithms, and/or has population frequency not consistent with disease.